The following is an entry in ClinVar:

ClinVar aggregate classification (germline): Likely pathogenic (1 of 4 stars; one submission).

Conditions:
EAST syndrome (SESAMES). Also called: SEIZURES, SENSORINEURAL DEAFNESS, ATAXIA, IMPAIRED INTELLECTUAL DEVELOPMENT, AND ELECTROLYTE IMBALANCE. Identifiers: MONDO:0013005, OMIM 612780, Orphanet 199343, MedGen C2748572.

Submission:

Laboratory of Medical Genetics, National & Kapodistrian University of Athens
Classification: Likely pathogenic for EAST syndrome. Last evaluated: 2021-10-05. Review status: criteria provided, single submitter. Criteria: ACMG Guidelines, 2015. Collection method: clinical testing. Allele origin: unknown. Affected: yes.
Comment: PM2, PP1, PP2, PP3

NM_002241.5(KCNJ10):c.400C>A (p.Arg134Ser)

Gene: KCNJ10 (potassium inwardly rectifying channel subfamily J member 10; minus strand). Cytogenetic location: 1q23.2.
Variant type: single nucleotide variant.
Coding change: c.400C>A on transcript NM_002241.5 (MANE Select); coding-DNA position 400, C replaced by A.
Protein change: p.Arg134Ser; replaces arginine 134 with serine.
Molecular consequence: missense variant.
Genome position (GRCh38, 1-based): chr1:160,042,133, G>T on the plus strand (C>A on the coding strand, the complement: KCNJ10 is on the minus strand). VCF-style: chr1-160042133-G-T. GRCh37 (hg19) VCF-style: chr1-160011923-G-T.
Other names: short protein forms R134S.
Identifiers: ClinVar variation 1299582 (VCV001299582.1), dbSNP rs1648622680, ClinGen allele CA343227637.